The following is an entry in ClinVar:

NM_000834.5(GRIN2B):c.3994G>T (p.Asp1332Tyr)

Gene: GRIN2B (glutamate ionotropic receptor NMDA type subunit 2B; minus strand). Cytogenetic location: 12p13.1.
Variant type: single nucleotide variant.
Coding change: c.3994G>T on transcript NM_000834.5 (MANE Select); coding-DNA position 3994, G replaced by T.
Protein change: p.Asp1332Tyr; replaces aspartic acid 1332 with tyrosine.
Molecular consequence: missense variant.
Genome position (GRCh38, 1-based): chr12:13,563,244, C>A on the plus strand (G>T on the coding strand, the complement: GRIN2B is on the minus strand). VCF-style: chr12-13563244-C-A. GRCh37 (hg19) VCF-style: chr12-13716178-C-A.
Other names: c.3994G>T, p.Asp1332Tyr (NM_001413992.1); short protein forms D1332Y.
Identifiers: ClinVar variation 2571785 (VCV002571785.1), dbSNP rs200421469, ClinGen allele CA6460805.

ClinVar aggregate classification (germline): Uncertain significance (1 of 4 stars; one submission).

Allele frequency attached by ClinVar (database versions not stated): gnomAD 0.00006.
gnomAD v4.1: 68 of 1,614,132 alleles (0.0042%); highest among the groups gnomAD compares: Non-Finnish European, 0.00025%; no homozygotes.

Submission:

GeneDx
Classification: Uncertain significance. Last evaluated: 2023-05-31. Review status: criteria provided, single submitter. Criteria: GeneDx Variant Classification Process June 2021. Collection method: clinical testing. Allele origin: germline. Affected: yes.
Comment: In silico analysis supports that this missense variant has a deleterious effect on protein structure/function; Has not been previously published as pathogenic or benign to our knowledge